The following is an entry in ClinVar:

NM_004525.3(LRP2):c.4496A>G (p.Asp1499Gly)

Gene: LRP2 (LDL receptor related protein 2; minus strand). Cytogenetic location: 2q31.1.
Variant type: single nucleotide variant.
Coding change: c.4496A>G on transcript NM_004525.3 (MANE Select); coding-DNA position 4496, A replaced by G.
Protein change: p.Asp1499Gly; replaces aspartic acid 1499 with glycine.
Molecular consequence: missense variant.
Genome position (GRCh38, 1-based): chr2:169,238,101, T>C on the plus strand (A>G on the coding strand, the complement: LRP2 is on the minus strand). VCF-style: chr2-169238101-T-C. GRCh37 (hg19) VCF-style: chr2-170094611-T-C.
Other names: c.4496A>G (NM_004525.2); short protein forms D1499G.
Identifiers: ClinVar variation 1470366 (VCV001470366.6), dbSNP rs748769984, ClinGen allele CA1954793.

ClinVar aggregate classification (germline): Uncertain significance. Review status: criteria provided, multiple submitters, no conflicts (2 of 4 stars). 4 submissions from 4 submitters: Uncertain significance (4). Last evaluated 2025-09-25.

Conditions:
Inborn genetic diseases. Identifiers: MedGen C0950123, MeSH D030342.
Donnai-Barrow syndrome. Also called: DBS/FOAR SYNDROME; FACIOOCULOACOUSTICORENAL SYNDROME. Identifiers: Orphanet 2143, MedGen C1857277, MONDO:0009104, OMIM 222448.

Allele frequency attached by ClinVar (database versions not stated): gnomAD exomes 0.00002; gnomAD 0.00007 and 0.00008; TOPMed 0.00008.
gnomAD v4.1: 30 of 1,613,868 alleles (0.0019%); highest among the groups gnomAD compares: African/African-American, 0.033%; no homozygotes.

Submissions (4):

Ambry Genetics
Classification: Uncertain significance for Inborn genetic diseases. Last evaluated: 2025-09-25. Review status: criteria provided, single submitter. Criteria: Ambry Variant Classification Scheme 2023. Collection method: clinical testing. Allele origin: germline.

Labcorp Genetics (formerly Invitae), Labcorp
Classification: Uncertain significance. Last evaluated: 2022-08-16. Review status: criteria provided, single submitter. Criteria: Invitae Variant Classification Sherloc (09022015). Collection method: clinical testing. Allele origin: germline.
Comment: This sequence change replaces aspartic acid, which is acidic and polar, with glycine, which is neutral and non-polar, at codon 1499 of the LRP2 protein (p.Asp1499Gly). The frequency data for this variant in the population databases is considered unreliable, as metrics indicate poor data quality at this position in the gnomAD database. This variant has not been reported in the literature in individuals affected with LRP2-related conditions. ClinVar contains an entry for this variant (Variation ID: 1470366). Advanced modeling of protein sequence and biophysical properties (such as structural, functional, and spatial information, amino acid conservation, physicochemical variation, residue mobility, and thermodynamic stability) performed at Invitae indicates that this missense variant is expected to disrupt LRP2 protein function. In summary, the available evidence is currently insufficient to determine the role of this variant in disease. Therefore, it has been classified as a Variant of Uncertain Significance.

Fulgent Genetics
Classification: Uncertain significance for Donnai-Barrow syndrome. Last evaluated: 2022-03-04. Review status: criteria provided, single submitter. Criteria: ACMG Guidelines, 2015. Collection method: clinical testing. Allele origin: unknown.

Blueprint Genetics
Classification: Uncertain significance. Last evaluated: 2020-02-20. Review status: criteria provided, single submitter. Criteria: ACMG Guidelines, 2015. Collection method: clinical testing. Allele origin: germline.